The following is an entry in ClinVar:

NM_004370.6(COL12A1):c.772G>A (p.Glu258Lys)

Gene: COL12A1 (collagen type XII alpha 1 chain; minus strand). Cytogenetic location: 6q13.
Variant type: single nucleotide variant.
Coding change: c.772G>A on transcript NM_004370.6 (MANE Select); coding-DNA position 772, G replaced by A.
Protein change: p.Glu258Lys; replaces glutamic acid 258 with lysine.
Molecular consequence: missense variant. On other transcripts: intron variant (1).
Genome position (GRCh38, 1-based): chr6:75,189,268, C>T on the plus strand (G>A on the coding strand, the complement: COL12A1 is on the minus strand). VCF-style: chr6-75189268-C-T. GRCh37 (hg19) VCF-style: chr6-75898984-C-T.
Other names: c.73+13452G>A (NM_080645.3); short protein forms E258K.
Identifiers: ClinVar variation 1489448 (VCV001489448.6), dbSNP rs1312651383, ClinGen allele CA364727888.

ClinVar aggregate classification (germline): Uncertain significance (1 of 4 stars; one submission).

Conditions:
Ullrich congenital muscular dystrophy 2 (UCMD2). Identifiers: Orphanet 75840, MedGen C4225314, MONDO:0014654, OMIM 616470.
Bethlem myopathy 2 (BTHLM2). Identifiers: Orphanet 536516, Orphanet 610, MedGen C4225313, MONDO:0034022, OMIM 616471.

Submission:

Labcorp Genetics (formerly Invitae), Labcorp
Classification: Uncertain significance for Bethlem myopathy 2; Ullrich congenital muscular dystrophy 2. Last evaluated: 2021-11-16. Review status: criteria provided, single submitter. Criteria: Invitae Variant Classification Sherloc (09022015). Collection method: clinical testing. Allele origin: germline.
Comment: In summary, the available evidence is currently insufficient to determine the role of this variant in disease. Therefore, it has been classified as a Variant of Uncertain Significance. Algorithms developed to predict the effect of missense changes on protein structure and function are either unavailable or do not agree on the potential impact of this missense change (SIFT: "Deleterious"; PolyPhen-2: "Benign"; Align-GVGD: "Class C0"). This variant has not been reported in the literature in individuals affected with COL12A1-related conditions. This variant is not present in population databases (gnomAD no frequency). This sequence change replaces glutamic acid, which is acidic and polar, with lysine, which is basic and polar, at codon 258 of the COL12A1 protein (p.Glu258Lys).